The following is an entry in ClinVar:

ClinVar aggregate classification (germline): Likely benign. Review status: criteria provided, multiple submitters, no conflicts (2 of 4 stars). 5 submissions from 5 submitters: Likely benign (5). Last evaluated 2026-03-01.

Conditions:
Familial hypocalciuric hypercalcemia (FHH). Also called: Familial benign hypercalcemia. Identifiers: Orphanet 405, MedGen C1809471, MONDO:0018458.
Autosomal dominant hypocalcemia 1 (HYPOC1). Also called: HYPOCALCEMIA, FAMILIAL. Identifiers: MedGen C3715128, MONDO:0011013, OMIM 601198.
Nephrolithiasis/nephrocalcinosis. Identifiers: MedGen CN580796.
Neonatal severe primary hyperparathyroidism. Identifiers: Orphanet 417, MedGen C1832615, MONDO:0009397, OMIM 239200.
Epilepsy, idiopathic generalized, susceptibility to, 8. Identifiers: MedGen C2752062, MONDO:0013032, OMIM 612899.
Familial hypocalciuric hypercalcemia 1. Also called: Hypercalcemia, familial benign type 1. Identifiers: Orphanet 405, Orphanet 93372, MedGen C0342637, MONDO:0007791, OMIM 145980.

Allele frequency attached by ClinVar (database versions not stated): ESP Exome Variant Server 0.00008; ExAC 0.00002; gnomAD 0.00002; gnomAD exomes 0.00003 and 0.00005; TOPMed 0.00003.
gnomAD v4.1: 78 of 1,614,052 alleles (0.0048%); highest among the groups gnomAD compares: Admixed American, 0.013%; no homozygotes.

Submissions (5):

CeGaT Center for Human Genetics Tuebingen
Classification: Likely benign. Last evaluated: 2026-03-01. Review status: criteria provided, single submitter. Criteria: CeGaT Center For Human Genetics Tuebingen Variant Classification Criteria Version 2. Collection method: clinical testing. Allele origin: germline. Affected: yes. Observed: 2 variant alleles.
Comment: CASR: BP4, BP7

Labcorp Genetics (formerly Invitae), Labcorp
Classification: Likely benign for Familial hypocalciuric hypercalcemia; Autosomal dominant hypocalcemia 1. Last evaluated: 2025-11-10. Review status: criteria provided, single submitter. Criteria: Invitae Variant Classification Sherloc (09022015). Collection method: clinical testing. Allele origin: germline.

Blueprint Genetics
Classification: Likely benign. Last evaluated: 2024-06-27. Review status: criteria provided, single submitter. Criteria: ACMG Guidelines, 2015. Collection method: clinical testing. Allele origin: germline.

Fulgent Genetics
Classification: Likely benign for Familial hypocalciuric hypercalcemia 1; Neonatal severe primary hyperparathyroidism; Autosomal dominant hypocalcemia 1; Epilepsy, idiopathic generalized, susceptibility to, 8. Last evaluated: 2022-02-04. Review status: criteria provided, single submitter. Criteria: ACMG Guidelines, 2015. Collection method: clinical testing. Allele origin: unknown.

Ambry Genetics
Classification: Likely benign for Nephrolithiasis/nephrocalcinosis. Last evaluated: 2020-02-10. Review status: criteria provided, single submitter. Criteria: Ambry Variant Classification Scheme 2023. Collection method: clinical testing. Allele origin: germline.

NM_000388.4(CASR):c.909C>G (p.Ser303=)

Gene: CASR (calcium sensing receptor; plus strand). Cytogenetic location: 3q21.1.
Variant type: single nucleotide variant.
Coding change: c.909C>G on transcript NM_000388.4 (MANE Select); coding-DNA position 909, C replaced by G.
Protein change: p.Ser303=; no amino-acid change (serine 303 retained).
Molecular consequence: synonymous variant.
Genome position (GRCh38, 1-based): chr3:122,261,944, C>G. VCF-style: chr3-122261944-C-G. GRCh37 (hg19) VCF-style: chr3-121980791-C-G.
Other names: c.909C>G, p.Ser303= (NM_001178065.2).
Identifiers: ClinVar variation 416107 (VCV000416107.40), dbSNP rs375005541, ClinGen allele CA2569558.